The following is an entry in ClinVar:

ClinVar aggregate classification (germline): Uncertain significance (1 of 4 stars; one submission).

Conditions:
Cryptosporidiosis-chronic cholangitis-liver disease syndrome. Also called: Immunodeficiency type 56; IL21R immunodeficiency. Identifiers: Orphanet 357329, MedGen C3554687, MONDO:0014082, OMIM 615207.

Allele frequency attached by ClinVar (database versions not stated): ExAC 0.00005; TOPMed 0.00002.
gnomAD v4.1: 10 of 1,613,390 alleles (0.00062%); highest among the groups gnomAD compares: Admixed American, 0.017%; no homozygotes.

Submission:

Labcorp Genetics (formerly Invitae), Labcorp
Classification: Uncertain significance for Cryptosporidiosis-chronic cholangitis-liver disease syndrome. Last evaluated: 2022-02-19. Review status: criteria provided, single submitter. Criteria: Invitae Variant Classification Sherloc (09022015). Collection method: clinical testing. Allele origin: germline.
Comment: This sequence change replaces proline, which is neutral and non-polar, with serine, which is neutral and polar, at codon 353 of the IL21R protein (p.Pro353Ser). This variant is present in population databases (rs753850374, gnomAD 0.02%). This variant has not been reported in the literature in individuals affected with IL21R-related conditions. ClinVar contains an entry for this variant (Variation ID: 1018723). Algorithms developed to predict the effect of missense changes on protein structure and function output the following: SIFT: "Tolerated"; PolyPhen-2: "Benign"; Align-GVGD: "Class C0". The serine amino acid residue is found in multiple mammalian species, which suggests that this missense change does not adversely affect protein function. In summary, the available evidence is currently insufficient to determine the role of this variant in disease. Therefore, it has been classified as a Variant of Uncertain Significance.

NM_181078.3(IL21R):c.1057C>T (p.Pro353Ser)

Genes: IL21R (interleukin 21 receptor; plus strand), IL21R-AS1 (IL21R antisense RNA 1; minus strand). Cytogenetic location: 16p12.1.
Variant type: single nucleotide variant.
Coding change: c.1057C>T on transcript NM_181078.3 (MANE Select); coding-DNA position 1057, C replaced by T.
Protein change: p.Pro353Ser; replaces proline 353 with serine.
Molecular consequence: missense variant. On other transcripts: non-coding transcript variant (1).
Genome position (GRCh38, 1-based): chr16:27,448,723, C>T. VCF-style: chr16-27448723-C-T. GRCh37 (hg19) VCF-style: chr16-27460044-C-T.
Other names: c.1057C>T, p.Pro353Ser (NM_021798.4); c.1123C>T, p.Pro375Ser (NM_181079.5); short protein forms P353S, P375S.
Identifiers: ClinVar variation 1018723 (VCV001018723.6), dbSNP rs753850374, ClinGen allele CA7975140.
Genomic context (GRCh38, chr16:27,448,723, plus strand): 5'-GAGCTACAAGAACCAGCAGAGCTGGTGGAGTCTGACGGTGTGCCCAAGCCCAGCTTCTGG[C>T]CGACAGCCCAGAACTCGGGGGGCTCAGCTTACAGTGAGGAGAGGGATCGGCCATACGGCC-3'
Protein context (NP_851564.1, residues 343-363): SDGVPKPSFW[Pro353Ser]TAQNSGGSAY